The following is an entry in ClinVar:

ClinVar aggregate classification (germline): Likely benign (1 of 4 stars; one submission).

Allele frequency attached by ClinVar (database versions not stated): gnomAD exomes below 0.00001.
gnomAD v4.1: 3 of 1,614,132 alleles (0.00019%); highest among the groups gnomAD compares: Admixed American, 0.0017%; no homozygotes.

Submission:

CeGaT Center for Human Genetics Tuebingen
Classification: Likely benign. Last evaluated: 2024-04-01. Review status: criteria provided, single submitter. Criteria: CeGaT Center For Human Genetics Tuebingen Variant Classification Criteria Version 2. Collection method: clinical testing. Allele origin: germline. Affected: yes. Observed: 1 variant allele.
Comment: ANGPT2: BP4

NM_001118887.2(ANGPT2):c.1394C>G (p.Thr465Arg)

Genes: ANGPT2 (angiopoietin 2; minus strand), MCPH1 (microcephalin 1; plus strand). Cytogenetic location: 8p23.1.
Variant type: single nucleotide variant.
Coding change: c.1394C>G on transcript NM_001118887.2 (MANE Select); coding-DNA position 1394, C replaced by G.
Protein change: p.Thr465Arg; replaces threonine 465 with arginine.
Molecular consequence: missense variant. On other transcripts: 3 prime UTR variant (2), intron variant (6).
Genome position (GRCh38, 1-based): chr8:6,503,195, G>C on the plus strand (C>G on the coding strand, the complement: ANGPT2 is on the minus strand). VCF-style: chr8-6503195-G-C. GRCh37 (hg19) VCF-style: chr8-6360716-G-C.
Other names: c.1241C>G, p.Thr414Arg (NM_001118888.2); c.1397C>G, p.Thr466Arg (NM_001147.3); c.1238C>G, p.Thr413Arg (NM_001386335.1); c.*54C>G (NM_001386336.1, NM_001386337.1); c.2214+3266G>C (NM_001322042.2, NM_024596.5, NM_001363979.1 and 2 more transcripts); c.1935+47943G>C (NM_001363980.2); short protein forms T413R, T414R, T465R, T466R.
Identifiers: ClinVar variation 3234550 (VCV003234550.20), dbSNP rs773887087, ClinGen allele CA370218487.